The following is an entry in ClinVar:

ClinVar aggregate classification (germline): Uncertain significance (1 of 4 stars; one submission).

Conditions:
Hereditary cancer-predisposing syndrome. Also called: Neoplastic Syndromes, Hereditary; Tumor predisposition; Hereditary Cancer Syndrome; Hereditary neoplastic syndrome. Identifiers: Orphanet 140162, MedGen C0027672, MeSH D009386, MONDO:0015356.

Submission:

Ambry Genetics
Classification: Uncertain significance for Hereditary cancer-predisposing syndrome. Last evaluated: 2022-05-27. Review status: criteria provided, single submitter. Criteria: Ambry Variant Classification Scheme 2023. Collection method: clinical testing. Allele origin: germline.
Comment: The p.A238S variant (also known as c.712G>T), located in coding exon 8 of the NF2 gene, results from a G to T substitution at nucleotide position 712. The alanine at codon 238 is replaced by serine, an amino acid with similar properties. This amino acid position is conserved. In addition, the in silico prediction for this alteration is inconclusive. Since supporting evidence is limited at this time, the clinical significance of this alteration remains unclear.

NM_000268.4(NF2):c.712G>T (p.Ala238Ser)

Gene: NF2 (NF2, moesin-ezrin-radixin like (MERLIN) tumor suppressor; plus strand). Cytogenetic location: 22q12.2.
Variant type: single nucleotide variant.
Coding change: c.712G>T on transcript NM_000268.4 (MANE Select); coding-DNA position 712, G replaced by T.
Protein change: p.Ala238Ser; replaces alanine 238 with serine.
Molecular consequence: missense variant. On other transcripts: non-coding transcript variant (1), intron variant (1).
Genome position (GRCh38, 1-based): chr22:29,661,241, G>T. VCF-style: chr22-29661241-G-T. GRCh37 (hg19) VCF-style: chr22-30057230-G-T.
Other names: c.598G>T, p.Ala200Ser (NM_001407053.1, NM_001407056.1); c.589G>T, p.Ala197Ser (NM_001407054.1, NM_001407058.1, NM_181829.3); c.586G>T, p.Ala196Ser (NM_001407055.1, NM_181828.3); c.712G>T, p.Ala238Ser (NM_001407060.1, NM_001407066.1, NM_016418.5 and 2 more transcripts); c.463G>T, p.Ala155Ser (NM_001407063.1, NM_001407064.1, NM_181830.3 and 1 more transcripts); c.178G>T, p.Ala60Ser (NM_001407065.1); c.481G>T, p.Ala161Ser (NM_001407067.1); c.447+18956G>T (NM_181833.3); short protein forms A155S, A197S, A238S, A60S, A161S, A196S, A200S.
Identifiers: ClinVar variation 1757311 (VCV001757311.2), dbSNP rs2147008566, ClinGen allele CA411143801.